The following is an entry in ClinVar:

ClinVar aggregate classification (germline): Uncertain significance (1 of 4 stars; one submission).

Conditions:
Atrial fibrillation, familial, 11 (ATFB11). Identifiers: MedGen C3279693, MONDO:0013544, OMIM 614049.
Atrial standstill 1 (ATRST1). Also called: ATRIAL CARDIOMYOPATHY WITH HEART BLOCK; CARDIOMYOPATHY, FAMILIAL, WITH CONDUCTION DISTURBANCE; Atrial standstill, digenic (GJA5/SCN5A). Identifiers: Orphanet 1344, MedGen C4551959, MONDO:0007171, OMIM 108770.

Allele frequency attached by ClinVar (database versions not stated): gnomAD exomes below 0.00001.
gnomAD v4.1: 1 of 1,614,146 alleles (0.000062%); highest among the groups gnomAD compares: Non-Finnish European, 0.000085%; no homozygotes.

Submission:

Labcorp Genetics (formerly Invitae), Labcorp
Classification: Uncertain significance for Atrial fibrillation, familial, 11; Atrial standstill 1. Last evaluated: 2022-04-13. Review status: criteria provided, single submitter. Criteria: Invitae Variant Classification Sherloc (09022015). Collection method: clinical testing. Allele origin: germline.
Comment: In summary, the available evidence is currently insufficient to determine the role of this variant in disease. Therefore, it has been classified as a Variant of Uncertain Significance. Algorithms developed to predict the effect of missense changes on protein structure and function are either unavailable or do not agree on the potential impact of this missense change (SIFT: "Not Available"; PolyPhen-2: "Probably Damaging"; Align-GVGD: "Not Available"). This variant has not been reported in the literature in individuals affected with GJA5-related conditions. This variant is not present in population databases (gnomAD no frequency). This sequence change replaces leucine, which is neutral and non-polar, with proline, which is neutral and non-polar, at codon 212 of the GJA5 protein (p.Leu212Pro).

NM_181703.4(GJA5):c.635T>C (p.Leu212Pro)

Genes: GJA5 (gap junction protein alpha 5; minus strand), LOC122128420 (Sharpr-MPRA regulatory region 3144; plus strand). Cytogenetic location: 1q21.2.
Variant type: single nucleotide variant.
Coding change: c.635T>C on transcript NM_181703.4 (MANE Select); coding-DNA position 635, T replaced by C.
Protein change: p.Leu212Pro; replaces leucine 212 with proline.
Molecular consequence: missense variant.
Genome position (GRCh38, 1-based): chr1:147,758,604, A>G on the plus strand (T>C on the coding strand, the complement: GJA5 is on the minus strand). VCF-style: chr1-147758604-A-G. GRCh37 (hg19) VCF-style: chr1-147230712-A-G.
Other names: c.635T>C, p.Leu212Pro (NM_005266.7); short protein forms L212P.
Identifiers: ClinVar variation 1904621 (VCV001904621.5), dbSNP rs2524609819, ClinGen allele CA342395288.